The following is an entry in ClinVar:

NM_000372.5(TYR):c.667C>T (p.Gln223Ter)

Gene: TYR (tyrosinase; plus strand). Cytogenetic location: 11q14.3.
Variant type: single nucleotide variant.
Coding change: c.667C>T on transcript NM_000372.5 (MANE Select); coding-DNA position 667, C replaced by T.
Protein change: p.Gln223Ter; replaces glutamine 223 with a stop codon.
Molecular consequence: nonsense.
Genome position (GRCh38, 1-based): chr11:89,178,620, C>T. VCF-style: chr11-89178620-C-T. GRCh37 (hg19) VCF-style: chr11-88911788-C-T.
Other names: short protein forms Q223*.
Identifiers: ClinVar variation 1996947 (VCV001996947.4), dbSNP rs2496530304, ClinGen allele CA382035091.

ClinVar aggregate classification (germline): Pathogenic (1 of 4 stars; one submission).

Allele frequency attached by ClinVar (database versions not stated): gnomAD exomes below 0.00001.
gnomAD v4.1: 1 of 1,612,294 alleles (0.000062%); highest among the groups gnomAD compares: Non-Finnish European, 0.000085%; no homozygotes.

Submission:

Labcorp Genetics (formerly Invitae), Labcorp
Classification: Pathogenic. Last evaluated: 2022-05-27. Review status: criteria provided, single submitter. Criteria: Invitae Variant Classification Sherloc (09022015). Collection method: clinical testing. Allele origin: germline.
Comment: This sequence change creates a premature translational stop signal (p.Gln223*) in the TYR gene. It is expected to result in an absent or disrupted protein product. Loss-of-function variants in TYR are known to be pathogenic (PMID: 23504663). For these reasons, this variant has been classified as Pathogenic. This variant has not been reported in the literature in individuals affected with TYR-related conditions. This variant is not present in population databases (gnomAD no frequency).

Literature cited by the submitters: PubMed 23504663.